The following is an entry in ClinVar:

NM_007118.4(TRIO):c.6715A>G (p.Thr2239Ala)

Gene: TRIO (trio Rho guanine nucleotide exchange factor; plus strand). Cytogenetic location: 5p15.2.
Variant type: single nucleotide variant.
Coding change: c.6715A>G on transcript NM_007118.4 (MANE Select); coding-DNA position 6715, A replaced by G.
Protein change: p.Thr2239Ala; replaces threonine 2239 with alanine.
Molecular consequence: missense variant. On other transcripts: non-coding transcript variant (1).
Genome position (GRCh38, 1-based): chr5:14,485,126, A>G. VCF-style: chr5-14485126-A-G. GRCh37 (hg19) VCF-style: chr5-14485235-A-G.
Other names: c.6715A>G (NM_007118.3); short protein forms T2239A.
Identifiers: ClinVar variation 445718 (VCV000445718.3), dbSNP rs1394971633, ClinGen allele CA359235980.

ClinVar aggregate classification (germline): Uncertain significance. Review status: criteria provided, multiple submitters, no conflicts (2 of 4 stars). 2 submissions from 2 submitters: Uncertain significance (2). Last evaluated 2022-09-27.

Conditions:
TRIO-related disorder. Also called: TRIO-related condition; TRIO-related disorders.

Allele frequency attached by ClinVar (database versions not stated): gnomAD exomes 0.00001; TOPMed 0.00001.
gnomAD v4.1: 7 of 1,588,444 alleles (0.00044%); highest among the groups gnomAD compares: Non-Finnish European, 0.0006%; no homozygotes.

Submissions (2):

PreventionGenetics, part of Exact Sciences
Classification: Uncertain significance for TRIO-related condition. Last evaluated: 2022-09-27. Review status: criteria provided, single submitter. Criteria: ACMG Guidelines, 2015. Collection method: clinical testing. Allele origin: germline.
Comment: The TRIO c.6715A>G variant is predicted to result in the amino acid substitution p.Thr2239Ala. To our knowledge, this variant has not been reported in the literature or in a large population database, indicating this variant is rare. At this time, the clinical significance of this variant is uncertain due to the absence of conclusive functional and genetic evidence.

Center for Pediatric Genomic Medicine, Children's Mercy Hospital and Clinics
Classification: Uncertain significance. Last evaluated: 2017-05-19. Review status: criteria provided, single submitter. Criteria: ACMG Guidelines, 2015. Collection method: clinical testing. Allele origin: germline.